The following is an entry in ClinVar:

ClinVar aggregate classification (germline): Uncertain significance. Review status: criteria provided, multiple submitters, no conflicts (2 of 4 stars). 2 submissions from 2 submitters: Uncertain significance (2). Last evaluated 2026-01-06.

Submissions (2):

Dasa
Classification: Uncertain significance. Last evaluated: 2026-01-06. Review status: criteria provided, single submitter. Criteria: DASA Assertion Criteria. Collection method: clinical testing. Allele origin: germline.
Comment: NM_005035.4(POLRMT):c.2828C>T (p.Ser943Phe) is a missense variant that results in the substitution of serine with phenylalanine. This variant is rare in population databases. The currently available literature and clinical evidence are not sufficient to establish a definitive association between this variant and the reported condition. Therefore, this variant is classified as a variant of uncertain significance.

Ambry Genetics
Classification: Uncertain significance. Last evaluated: 2024-06-16. Review status: criteria provided, single submitter. Criteria: Ambry Variant Classification Scheme 2023. Collection method: clinical testing. Allele origin: germline.

NM_005035.4(POLRMT):c.2828C>T (p.Ser943Phe)

Gene: POLRMT (RNA polymerase mitochondrial; minus strand). Cytogenetic location: 19p13.3.
Variant type: single nucleotide variant.
Coding change: c.2828C>T on transcript NM_005035.4 (MANE Select); coding-DNA position 2828, C replaced by T.
Protein change: p.Ser943Phe; replaces serine 943 with phenylalanine.
Molecular consequence: missense variant. On other transcripts: non-coding transcript variant (1).
Genome position (GRCh38, 1-based): chr19:620,016, G>A on the plus strand (C>T on the coding strand, the complement: POLRMT is on the minus strand). VCF-style: chr19-620016-G-A. GRCh37 (hg19) VCF-style: chr19-620016-G-A.
Other names: c.2828C>T, p.Ser943Phe (NM_001407805.1, NM_001407808.1, NM_001407812.1 and 3 more transcripts); c.2819C>T, p.Ser940Phe (NM_001407806.1, NM_001407809.1); c.2816C>T, p.Ser939Phe (NM_001407807.1, NM_001407810.1); c.2786C>T, p.Ser929Phe (NM_001407811.1, NM_001407813.1); c.2705C>T, p.Ser902Phe (NM_001407829.1); c.2603C>T, p.Ser868Phe (NM_001407830.1, NM_001407832.1); c.2504C>T, p.Ser835Phe (NM_001407831.1, NM_001407833.1, NM_001407835.1 and 1 more transcripts); c.2495C>T, p.Ser832Phe (NM_001407834.1); short protein forms S832F, S835F, S868F, S902F, S940F, S929F, S939F, S943F.
Identifiers: ClinVar variation 3308868 (VCV003308868.3).
Genomic context (GRCh38, chr19:620,016, plus strand): 5'-ACCTGCGCGGCCACGCCGCTGTACACGTCCTGCGGCACATCCGAGGGCTCCAGGTTGACG[G>A]AGGCGGCGCCCACGCTGTCGCGGCCCAGAGCAGCATAATGCTGCAGGCCGTTGCAAGAGC-3'
Protein context (NP_005026.3, residues 933-953): ALGRDSVGAA[Ser943Phe]VNLEPSDVPQ